The following is an entry in ClinVar:

ClinVar aggregate classification (germline): Uncertain significance (1 of 4 stars; one submission).

Conditions:
MAGEL2-related disorder. Also called: MAGEL2-related condition.

Submission:

PreventionGenetics, part of Exact Sciences
Classification: Uncertain significance for MAGEL2-related condition. Last evaluated: 2026-09-08. Review status: criteria provided, single submitter. Criteria: ACMG Guidelines, 2015. Collection method: clinical testing. Allele origin: germline.
Comment: The MAGEL2 c.1324C>G variant is predicted to result in the amino acid substitution p.Pro442Ala. To our knowledge, this variant has not been reported in the literature or in a large population database (gnomAD), indicating this variant is rare. At this time, the clinical significance of this variant is uncertain due to the absence of conclusive functional and genetic evidence.

NM_019066.5(MAGEL2):c.1324C>G (p.Pro442Ala)

Gene: MAGEL2 (MAGE family member L2; minus strand). Cytogenetic location: 15q11.2.
Variant type: single nucleotide variant.
Coding change: c.1324C>G on transcript NM_019066.5 (MANE Select); coding-DNA position 1324, C replaced by G.
Protein change: p.Pro442Ala; replaces proline 442 with alanine.
Molecular consequence: missense variant.
Genome position (GRCh38, 1-based): chr15:23,646,419, G>C on the plus strand (C>G on the coding strand, the complement: MAGEL2 is on the minus strand). VCF-style: chr15-23646419-G-C. GRCh37 (hg19) VCF-style: chr15-23891566-G-C.
Other names: short protein forms P442A.
Identifiers: ClinVar variation 4993640 (VCV004993640.1).